The following is an entry in ClinVar:

NM_001363.5(DKC1):c.671C>T (p.Thr224Ile)

Gene: DKC1 (dyskerin pseudouridine synthase 1; plus strand). Cytogenetic location: Xq28.
Variant type: single nucleotide variant.
Coding change: c.671C>T on transcript NM_001363.5 (MANE Select); coding-DNA position 671, C replaced by T.
Protein change: p.Thr224Ile; replaces threonine 224 with isoleucine.
Molecular consequence: missense variant. On other transcripts: non-coding transcript variant (3).
Genome position (GRCh38, 1-based): chrX:154,768,332, C>T. VCF-style: chrX-154768332-C-T. GRCh37 (hg19) VCF-style: chrX-153996607-C-T.
Other names: c.671C>T, p.Thr224Ile (NM_001142463.3, NM_001288747.2); short protein forms T224I.
Identifiers: ClinVar variation 5035348 (VCV005035348.1).

ClinVar aggregate classification (germline): Uncertain significance (1 of 4 stars; one submission).

Conditions:
Dyskeratosis congenita. Identifiers: Orphanet 1775, MedGen C0265965, MONDO:0015780.

Submission:

Ambry Genetics
Classification: Uncertain significance for Dyskeratosis congenita. Last evaluated: 2026-07-02. Review status: criteria provided, single submitter. Criteria: Ambry Variant Classification Scheme 2023. Collection method: clinical testing. Allele origin: germline.
Comment: The p.T224I variant (also known as c.671C>T), located in coding exon 8 of the DKC1 gene, results from a C to T substitution at nucleotide position 671. The threonine at codon 224 is replaced by isoleucine, an amino acid with similar properties. This amino acid position is conserved. In addition, this alteration is predicted to be deleterious by in silico analysis. Based on the available evidence, the clinical significance of this variant remains unclear.